The following is an entry in ClinVar:

ClinVar aggregate classification (germline): Pathogenic (1 of 4 stars; one submission).

Conditions:
Breast-ovarian cancer, familial, susceptibility to, 2 (BROVCA2). Also called: BRCA2 Hereditary Breast and Ovarian Cancer. Identifiers: Orphanet 145, MedGen C2675520, MONDO:0012933, OMIM 612555. Disease mechanism: loss of function.

Submission:

Myriad Genetics, Inc.
Classification: Pathogenic for Breast-ovarian cancer, familial, susceptibility to, 2. Last evaluated: 2023-09-20. Review status: criteria provided, single submitter. Criteria: Myriad Autosomal Dominant, Autosomal Recessive and X-Linked Classification Criteria (2023). Collection method: clinical testing. Allele origin: unknown.
Comment: This variant is considered pathogenic. This variant creates a frameshift predicted to result in premature protein truncation.

NM_000059.4(BRCA2):c.6222_6223dup (p.Lys2075fs)

Gene: BRCA2 (BRCA2 DNA repair associated; plus strand). Cytogenetic location: 13q13.1.
Variant type: Microsatellite.
Coding change: c.6222_6223dup on transcript NM_000059.4 (MANE Select); coding-DNA positions 6222 to 6223, 2 bases duplicated (CA; older notation c.6222_6223dupCA).
Protein change: p.Lys2075fs; shifts the reading frame from lysine 2075.
Molecular consequence: frameshift variant. On other transcripts: non-coding transcript variant (1), intron variant (2).
Genome position (GRCh38, 1-based): chr13:32,340,577-32,340,578, CA duplicated; duplicating any 2 consecutive bases within chr13:32,340,574-32,340,578 gives the same sequence; the c. name uses the placement nearest the transcript's 3' end. VCF-style (leftmost placement, unchanged base first): chr13-32340573-T-TAC. GRCh37 (hg19) VCF-style: chr13-32914710-T-TAC.
Other names: c.6222_6223dup, p.Lys2075fs (NM_001406719.1, NM_001406720.1); c.1910-3984AC[3] (NM_001406721.1); c.425-3984AC[3] (NM_001406722.1); short protein forms K2075fs.
Identifiers: ClinVar variation 2674558 (VCV002674558.1), dbSNP rs2548532824, ClinGen allele CA2695199688.
Genomic context (GRCh38, chr13:32,340,573, plus strand): 5'-CTGCTTTCTCTGGATTTAGTACAGCAAGTGGAAAGCAAGTTTCCATTTTAGAAAGTTCCT[T>TAC]ACACAAAGTTAAGGGAGTGTTAGAGGAATTTGATTTAATCAGAACTGAGCATAGTCTTCA-3'